The following is an entry in ClinVar:

NM_000535.7(PMS2):c.2104G>T (p.Ala702Ser)

Gene: PMS2 (PMS1 homolog 2, mismatch repair system component; minus strand). Cytogenetic location: 7p22.1.
Variant type: single nucleotide variant.
Coding change: c.2104G>T on transcript NM_000535.7 (MANE Select); coding-DNA position 2104, G replaced by T.
Protein change: p.Ala702Ser; replaces alanine 702 with serine.
Molecular consequence: missense variant. On other transcripts: non-coding transcript variant (1).
Genome position (GRCh38, 1-based): chr7:5,982,894, C>A on the plus strand (G>T on the coding strand, the complement: PMS2 is on the minus strand). VCF-style: chr7-5982894-C-A. GRCh37 (hg19) VCF-style: chr7-6022525-C-A.
Other names: c.1699G>T, p.Ala567Ser (NM_001322003.2, NM_001322004.2, NM_001322005.2 and 1 more transcripts); c.1948G>T, p.Ala650Ser (NM_001322006.2); c.1786G>T, p.Ala596Ser (NM_001322007.2, NM_001322008.2); c.1543G>T, p.Ala515Ser (NM_001322010.2); c.1171G>T, p.Ala391Ser (NM_001322011.2, NM_001322012.2); c.1531G>T, p.Ala511Ser (NM_001322013.2); c.2104G>T, p.Ala702Ser (NM_001322014.2); c.1795G>T, p.Ala599Ser (NM_001322015.2); and 1 more; short protein forms A702S, A515S, A391S, A511S, A567S, A596S, A599S, A650S.
Identifiers: ClinVar variation 484259 (VCV000484259.12), dbSNP rs1554295821, ClinGen allele CA366737987.

ClinVar aggregate classification (germline): Uncertain significance. Review status: criteria provided, multiple submitters, no conflicts (2 of 4 stars). 3 submissions from 3 submitters: Uncertain significance (3). Last evaluated 2024-06-21.

Conditions:
Hereditary cancer-predisposing syndrome. Also called: Neoplastic Syndromes, Hereditary; Tumor predisposition; Hereditary Cancer Syndrome; Hereditary neoplastic syndrome. Identifiers: Orphanet 140162, MedGen C0027672, MeSH D009386, MONDO:0015356.
Hereditary nonpolyposis colorectal neoplasms. Identifiers: MedGen C0009405, MeSH D003123.

Submissions (3):

Ambry Genetics
Classification: Uncertain significance for Hereditary cancer-predisposing syndrome. Last evaluated: 2024-06-21. Review status: criteria provided, single submitter. Criteria: Ambry Variant Classification Scheme 2023. Collection method: clinical testing. Allele origin: germline.
Comment: The p.A702S variant (also known as c.2104G>T), located in coding exon 12 of the PMS2 gene, results from a G to T substitution at nucleotide position 2104. The alanine at codon 702 is replaced by serine, an amino acid with similar properties. This amino acid position is highly conserved in available vertebrate species. In addition, this alteration is predicted to be deleterious by in silico analysis. Based on the available evidence, the clinical significance of this variant remains unclear.

Labcorp Genetics (formerly Invitae), Labcorp
Classification: Uncertain significance for Hereditary nonpolyposis colorectal neoplasms. Last evaluated: 2024-05-31. Review status: criteria provided, single submitter. Criteria: Invitae Variant Classification Sherloc (09022015). Collection method: clinical testing. Allele origin: germline.
Comment: This sequence change replaces alanine, which is neutral and non-polar, with serine, which is neutral and polar, at codon 702 of the PMS2 protein (p.Ala702Ser). The frequency data for this variant in the population databases (gnomAD) is considered unreliable due to the presence of homologous sequence, such as pseudogenes or paralogs, in the genome. This missense change has been observed in individual(s) with PMS2-related cancer (PMID: 34284872). ClinVar contains an entry for this variant (Variation ID: 484259). Advanced modeling of protein sequence and biophysical properties (such as structural, functional, and spatial information, amino acid conservation, physicochemical variation, residue mobility, and thermodynamic stability) performed at Invitae indicates that this missense variant is expected to disrupt PMS2 protein function with a positive predictive value of 80%. In summary, the available evidence is currently insufficient to determine the role of this variant in disease. Therefore, it has been classified as a Variant of Uncertain Significance.

Quest Diagnostics Nichols Institute San Juan Capistrano
Classification: Uncertain significance. Last evaluated: 2023-10-19. Review status: criteria provided, single submitter. Criteria: Quest Diagnostics criteria. Collection method: clinical testing. Allele origin: unknown.
Comment: The PMS2 c.2104G>T (p.Ala702Ser) variant has not been reported in individuals with PMS2-related conditions in the published literature. It also has not been reported in large, multi-ethnic general populations (Genome Aggregation Database). Analysis of this variant using bioinformatics tools for the prediction of the effect of amino acid changes on protein structure and function yielded conflicting predictions that this variant is benign or damaging. Based on the available information, we are unable to determine the clinical significance of this variant.

Literature cited by the submitters: PubMed 34284872 (cited by Labcorp Genetics (formerly Invitae), Labcorp).